The following is an entry in ClinVar:

ClinVar aggregate classification (germline): Likely benign. Review status: criteria provided, multiple submitters, no conflicts (2 of 4 stars). 2 submissions from 2 submitters: Likely benign (2). Last evaluated 2026-07-01.

Conditions:
Inborn genetic diseases. Identifiers: MedGen C0950123, MeSH D030342.

Allele frequency attached by ClinVar (database versions not stated): gnomAD exomes below 0.00001; TOPMed below 0.00001; gnomAD 0.00001; 1000 Genomes Project 30x 0.00016; 1000 Genomes Project 0.00020.
gnomAD v4.1: 5 of 1,612,182 alleles (0.00031%); highest among the groups gnomAD compares: Admixed American, 0.0017%; no homozygotes.

Submissions (2):

CeGaT Center for Human Genetics Tuebingen
Classification: Likely benign. Last evaluated: 2026-07-01. Review status: criteria provided, single submitter. Criteria: CeGaT Center For Human Genetics Tuebingen Variant Classification Criteria Version 2. Collection method: clinical testing. Allele origin: germline. Affected: yes. Observed: 2 variant alleles.
Comment: CREBBP: BP4, BP7

Ambry Genetics
Classification: Likely benign for Inborn genetic diseases. Last evaluated: 2017-05-10. Review status: criteria provided, single submitter. Criteria: Ambry Variant Classification Scheme 2023. Collection method: clinical testing. Allele origin: germline.

NM_004380.3(CREBBP):c.2319G>A (p.Pro773=)

Gene: CREBBP (CREB binding lysine acetyltransferase; minus strand). Cytogenetic location: 16p13.3.
Variant type: single nucleotide variant.
Coding change: c.2319G>A on transcript NM_004380.3 (MANE Select); coding-DNA position 2319, G replaced by A.
Protein change: p.Pro773=; no amino-acid change (proline 773 retained).
Molecular consequence: synonymous variant.
Genome position (GRCh38, 1-based): chr16:3,773,895, C>T on the plus strand (G>A on the coding strand, the complement: CREBBP is on the minus strand). VCF-style: chr16-3773895-C-T. GRCh37 (hg19) VCF-style: chr16-3823896-C-T.
Other names: c.2205G>A, p.Pro735= (NM_001079846.1).
Identifiers: ClinVar variation 589040 (VCV000589040.12), dbSNP rs560358764, ClinGen allele CA276970786.